The following is an entry in ClinVar:

NM_058216.3(RAD51C):c.966-18T>G

Gene: RAD51C (RAD51 paralog C; plus strand). Cytogenetic location: 17q22.
Variant type: single nucleotide variant.
Coding change: c.966-18T>G on transcript NM_058216.3 (MANE Select); 18 bases into the intron before coding-DNA position 966, T replaced by G.
Molecular consequence: intron variant.
Genome position (GRCh38, 1-based): chr17:58,732,466, T>G. VCF-style: chr17-58732466-T-G. GRCh37 (hg19) VCF-style: chr17-56809827-T-G.
Identifiers: ClinVar variation 3721743 (VCV003721743.2).
Genomic context (GRCh38, chr17:58,732,466, plus strand): 5'-ATAATGAGTTTGGTCATCTGAACTTTTAATTAATTAAGTTCATGTGTTTGTATGTATTTA[T>G]TCTTTTTCTTTAAGCAGGTTGGCAACATTGTACAAGTCACCCAGCCAGAAGGAATGCACA-3'

ClinVar aggregate classification (germline): Uncertain significance (1 of 4 stars; one submission).

Conditions:
Fanconi anemia complementation group O. Also called: RAD51C-Related Fanconi Anemia. Identifiers: Orphanet 84, MedGen C3150653, MONDO:0013248, OMIM 613390.

Submission:

Labcorp Genetics (formerly Invitae), Labcorp
Classification: Uncertain significance for Fanconi anemia complementation group O. Last evaluated: 2024-09-29. Review status: criteria provided, single submitter. Criteria: Invitae Variant Classification Sherloc (09022015). Collection method: clinical testing. Allele origin: germline.
Comment: This sequence change falls in intron 7 of the RAD51C gene. It does not directly change the encoded amino acid sequence of the RAD51C protein. This variant is not present in population databases (gnomAD no frequency). This variant has not been reported in the literature in individuals affected with RAD51C-related conditions. Algorithms developed to predict the effect of sequence changes on RNA splicing suggest that this variant may disrupt the consensus splice site. In summary, the available evidence is currently insufficient to determine the role of this variant in disease. Therefore, it has been classified as a Variant of Uncertain Significance.